The following is an entry in ClinVar:

NM_005188.4(CBL):c.556G>C (p.Ala186Pro)

Gene: CBL (Cbl proto-oncogene; plus strand). Cytogenetic location: 11q23.3.
Variant type: single nucleotide variant.
Coding change: c.556G>C on transcript NM_005188.4 (MANE Select); coding-DNA position 556, G replaced by C.
Protein change: p.Ala186Pro; replaces alanine 186 with proline.
Molecular consequence: missense variant.
Genome position (GRCh38, 1-based): chr11:119,271,847, G>C. VCF-style: chr11-119271847-G-C. GRCh37 (hg19) VCF-style: chr11-119142557-G-C.
Other names: short protein forms A186P.
Identifiers: ClinVar variation 3907871 (VCV003907871.1).
Genomic context (GRCh38, chr11:119,271,847, plus strand): 5'-AAAGGAATCTTTCCAAGTGGACTCTTTCAGGGAGACACATTTCGGATTACTAAAGCAGAT[G>C]CTGCGGAATTTTGGAGAAAAGCTTTTGGGGAAAAGTAAGTCTCAGAATAATGAATTTGAA-3'
Protein context (NP_005179.2, residues 176-196): GDTFRITKAD[Ala186Pro]AEFWRKAFGE

ClinVar aggregate classification (germline): Uncertain significance (1 of 4 stars; one submission).

Submission:

GeneDx
Classification: Uncertain significance. Last evaluated: 2024-12-23. Review status: criteria provided, single submitter. Criteria: GeneDx Variant Classification Process June 2021. Collection method: clinical testing. Allele origin: germline. Affected: yes.
Comment: Not observed at significant frequency in large population cohorts (gnomAD); In silico analysis supports that this missense variant has a deleterious effect on protein structure/function; Has not been previously published as pathogenic or benign to our knowledge; This variant is associated with the following publications: (PMID: 20619386, 18034775)